The following is an entry in ClinVar:

ClinVar aggregate classification (germline): Uncertain significance (1 of 4 stars; one submission).

Conditions:
Aicardi-Goutieres syndrome 4. Identifiers: Orphanet 51, MedGen C1835912, MONDO:0012472, OMIM 610333.

Submission:

Labcorp Genetics (formerly Invitae), Labcorp
Classification: Uncertain significance for Aicardi-Goutieres syndrome 4. Last evaluated: 2019-04-25. Review status: criteria provided, single submitter. Criteria: Invitae Variant Classification Sherloc (09022015). Collection method: clinical testing. Allele origin: germline.
Comment: Algorithms developed to predict the effect of missense changes on protein structure and function (SIFT, PolyPhen-2, Align-GVGD) all suggest that this variant is likely to be tolerated, but these predictions have not been confirmed by published functional studies and their clinical significance is uncertain. This variant has not been reported in the literature in individuals with RNASEH2A-related conditions. In summary, the available evidence is currently insufficient to determine the role of this variant in disease. Therefore, it has been classified as a Variant of Uncertain Significance. This variant is not present in population databases (ExAC no frequency). This sequence change replaces arginine with leucine at codon 56 of the RNASEH2A protein (p.Arg56Leu). The arginine residue is moderately conserved and there is a moderate physicochemical difference between arginine and leucine.

NM_006397.3(RNASEH2A):c.167G>T (p.Arg56Leu)

Gene: RNASEH2A (ribonuclease H2 subunit A; plus strand). Cytogenetic location: 19p13.13.
Variant type: single nucleotide variant.
Coding change: c.167G>T on transcript NM_006397.3 (MANE Select); coding-DNA position 167, G replaced by T.
Protein change: p.Arg56Leu; replaces arginine 56 with leucine.
Molecular consequence: missense variant.
Genome position (GRCh38, 1-based): chr19:12,807,047, G>T. VCF-style: chr19-12807047-G-T. GRCh37 (hg19) VCF-style: chr19-12917861-G-T.
Other names: short protein forms R56L.
Identifiers: ClinVar variation 950953 (VCV000950953.9), dbSNP rs761841313, ClinGen allele CA404264149.
Genomic context (GRCh38, chr19:12,807,047, plus strand): 5'-ACTGACACCCCTTCTCCCCAGGCCCCATGGTCTACGCCATCTGTTATTGTCCCCTGCCTC[G>T]CCTGGCAGATCTGGAGGCGCTGAAAGTGGCAGGTGAGCCCGAGGTGTGCGTCTGGGGAAG-3'
Protein context (NP_006388.2, residues 46-66): VYAICYCPLP[Arg56Leu]LADLEALKVA